The following is an entry in ClinVar:

NM_004444.5(EPHB4):c.830A>G (p.Lys277Arg)

Gene: EPHB4 (EPH receptor B4; minus strand). Cytogenetic location: 7q22.1.
Variant type: single nucleotide variant.
Coding change: c.830A>G on transcript NM_004444.5 (MANE Select); coding-DNA position 830, A replaced by G.
Protein change: p.Lys277Arg; replaces lysine 277 with arginine.
Molecular consequence: missense variant.
Genome position (GRCh38, 1-based): chr7:100,820,275, T>C on the plus strand (A>G on the coding strand, the complement: EPHB4 is on the minus strand). VCF-style: chr7-100820275-T-C. GRCh37 (hg19) VCF-style: chr7-100417897-T-C.
Other names: short protein forms K277R.
Identifiers: ClinVar variation 4018805 (VCV004018805.1).

ClinVar aggregate classification (germline): Uncertain significance (1 of 4 stars; one submission).

Conditions:
Cardiovascular phenotype. Identifiers: MedGen CN230736.

gnomAD v4.1: 1 of 1,613,792 alleles (0.000062%); highest among the groups gnomAD compares: Non-Finnish European, 0.000085%; no homozygotes.

Submission:

Ambry Genetics
Classification: Uncertain significance for Cardiovascular phenotype. Last evaluated: 2025-04-07. Review status: criteria provided, single submitter. Criteria: Ambry Variant Classification Scheme 2023. Collection method: clinical testing. Allele origin: germline.
Comment: The p.K277R variant (also known as c.830A>G), located in coding exon 5 of the EPHB4 gene, results from an A to G substitution at nucleotide position 830. The lysine at codon 277 is replaced by arginine, an amino acid with highly similar properties. This amino acid position is conserved. In addition, this alteration is predicted to be tolerated by in silico analysis. Based on the available evidence, the clinical significance of this variant remains unclear.